The following is an entry in ClinVar:

ClinVar aggregate classification (germline): Uncertain significance (1 of 4 stars; one submission).

Conditions:
Catecholaminergic polymorphic ventricular tachycardia (CVPT). Also called: Catecholamine-induced polymorphic ventricular tachycardia. Identifiers: Orphanet 3286, MedGen C5574922, MONDO:0017990.

Submission:

All of Us Research Program, National Institutes of Health
Classification: Uncertain significance for Catecholaminergic polymorphic ventricular tachycardia. Last evaluated: 2024-05-30. Review status: criteria provided, single submitter. Criteria: ACMG Guidelines, 2015. Collection method: clinical testing. Allele origin: germline. Inheritance: Autosomal dominant inheritance. Observed: 1 variant allele, 1 heterozygote.
Comment: This missense variant replaces leucine with valine at codon 617 of the RYR2 protein. Computational prediction is inconclusive regarding the impact of this variant on protein structure and function (internally defined REVEL score threshold 0.5 < inconclusive < 0.7, PMID: 27666373). To our knowledge, functional studies have not been reported for this variant. This variant has not been reported in individuals affected with RYR2-related disorders in the literature. This variant has not been identified in the general population by the Genome Aggregation Database (gnomAD). The available evidence is insufficient to determine the role of this variant in disease conclusively. Therefore, this variant is classified as a Variant of Uncertain Significance.

This study involves interpretation of variants in research participants for the purpose of population health screening. Participant phenotype was not available at the time of variant classification. Additional details can be found in publication PMID: 35346344, PMCID: PMC8962531

NM_001035.3(RYR2):c.1849C>G (p.Leu617Val)

Gene: RYR2 (ryanodine receptor 2; plus strand). Cytogenetic location: 1q43.
Variant type: single nucleotide variant.
Coding change: c.1849C>G on transcript NM_001035.3 (MANE Select); coding-DNA position 1849, C replaced by G.
Protein change: p.Leu617Val; replaces leucine 617 with valine.
Molecular consequence: missense variant.
Genome position (GRCh38, 1-based): chr1:237,492,975, C>G. VCF-style: chr1-237492975-C-G. GRCh37 (hg19) VCF-style: chr1-237656275-C-G.
Other names: short protein forms L617V.
Identifiers: ClinVar variation 3385678 (VCV003385678.1).